The following is an entry in ClinVar:

ClinVar aggregate classification (germline): Uncertain significance (1 of 4 stars; one submission).

Conditions:
Cardiovascular phenotype. Identifiers: MedGen CN230736.

Submission:

Ambry Genetics
Classification: Uncertain significance for Cardiovascular phenotype. Last evaluated: 2021-07-07. Review status: criteria provided, single submitter. Criteria: Ambry Variant Classification Scheme 2023. Collection method: clinical testing. Allele origin: germline.
Comment: The p.T2006I variant (also known as c.6017C>T), located in coding exon 37 of the FLNC gene, results from a C to T substitution at nucleotide position 6017. The threonine at codon 2006 is replaced by isoleucine, an amino acid with similar properties. This amino acid position is conserved. In addition, this alteration is predicted to be tolerated by in silico analysis. Since supporting evidence is limited at this time, the clinical significance of this alteration remains unclear.

NM_001458.5(FLNC):c.6017C>T (p.Thr2006Ile)

Genes: FLNC-AS1 (FLNC antisense RNA 1; minus strand), FLNC (filamin C; plus strand). Cytogenetic location: 7q32.1.
Variant type: single nucleotide variant.
Coding change: c.6017C>T on transcript NM_001458.5 (MANE Select); coding-DNA position 6017, C replaced by T.
Protein change: p.Thr2006Ile; replaces threonine 2006 with isoleucine.
Molecular consequence: missense variant.
Genome position (GRCh38, 1-based): chr7:128,852,840, C>T. VCF-style: chr7-128852840-C-T. GRCh37 (hg19) VCF-style: chr7-128492894-C-T.
Other names: c.5918C>T, p.Thr1973Ile (NM_001127487.2); short protein forms T1973I, T2006I.
Identifiers: ClinVar variation 1751096 (VCV001751096.2), dbSNP rs2536659954, ClinGen allele CA369210918.